The following is an entry in ClinVar:

ClinVar aggregate classification (germline): Likely benign. Review status: criteria provided, multiple submitters, no conflicts (2 of 4 stars). 5 submissions from 5 submitters: Likely benign (3). 2 of the submissions do not count toward it. Last evaluated 2024-11-01.

Allele frequency attached by ClinVar (database versions not stated): 1000 Genomes Project 0.00160; 1000 Genomes Project 30x 0.00234; ExAC 0.00359; gnomAD exomes 0.00360; TOPMed 0.00362; gnomAD 0.00400 and 0.00405; ESP Exome Variant Server 0.00561.
gnomAD v4.1: 9,181 of 1,614,086 alleles (0.57%); highest among the groups gnomAD compares: Non-Finnish European, 0.7%; 44 homozygotes.

Submissions (5):

CeGaT Center for Human Genetics Tuebingen
Classification: Likely benign. Last evaluated: 2024-11-01. Review status: criteria provided, single submitter. Criteria: CeGaT Center For Human Genetics Tuebingen Variant Classification Criteria Version 2. Collection method: clinical testing. Allele origin: germline. Affected: yes. Observed: 2 variant alleles.
Comment: KRT18: BP4, BS2

Labcorp Genetics (formerly Invitae), Labcorp
Classification: Likely benign. Last evaluated: 2019-12-31. Review status: criteria provided, single submitter. Criteria: Invitae Variant Classification Sherloc (09022015). Collection method: clinical testing. Allele origin: germline.

Breakthrough Genomics
Classification: Likely benign. Review status: criteria provided, single submitter. Criteria: ACMG Guidelines, 2015. Collection method: not provided. Allele origin: germline. Inheritance: Autosomal recessive inheritance. Affected: yes.

Department of Pathology and Laboratory Medicine, Sinai Health System
Classification: Uncertain significance. Review status: no assertion criteria provided. Collection method: clinical testing. Allele origin: unknown. Affected: yes. Study: The Canadian Open Genetics Repository (COGR). Not counted in ClinVar's aggregate classification.
Comment: The KRT18 p.Ser230Thr variant was not identified in the literature nor was it identified in Cosmic, however it was identified in dbSNP (ID: rs58472472), ClinVar (clinical significance not provided) and LOVD 3.0. The variant was identified in control databases in 1028 of 282750 chromosomes (6 homozygous) at a frequency of 0.003636 increasing the likelihood this could be a low frequency benign variant (Genome Aggregation Database Feb 27, 2017). The variant was observed in the following populations: European (non-Finnish) in 785 of 129112 chromosomes (freq: 0.00608), Other in 25 of 7214 chromosomes (freq: 0.003465), Latino in 91 of 35440 chromosomes (freq: 0.002568), South Asian in 58 of 30616 chromosomes (freq: 0.001894), African in 33 of 24930 chromosomes (freq: 0.001324), European (Finnish) in 26 of 25120 chromosomes (freq: 0.001035) and Ashkenazi Jewish in 10 of 10370 chromosomes (freq: 0.000964); it was not observed in the East Asian population. This variant was identified in 2/329 German patients with chronic hepatitis C, 2/344 patients with acute liver failure and 4/97 patients with IBD (Strnad_2006_PMID: 16729313; Strnad_2010_PMID: 20538000; Owens_2004_PMID: 15090596). However it should be noted that the authors from these studies referred to this variant as a polymorphism rather than a mutation and did not suspect significant biological relevance. Further, functional in vitro studies of this variant in cell models suggested conflicting results regarding the potential pathogenicity of this variant (Owens_2004_PMID: 15090596; Zupancic_2014_PMID: 24915158). The p.Ser230 residue is not conserved in mammals and computational analyses (PolyPhen-2, SIFT, AlignGVGD, BLOSUM, MutationTaster) do not suggest a high likelihood of impact to the protein; however, this information is not predictive enough to rule out pathogenicity. In summary, based on the above information the clinical significance of this variant cannot be determined with certainty at this time. This variant is classified as a variant of uncertain significance.

Epithelial Biology;  Institute of Medical Biology, Singapore
No classification provided. Review status: no classification provided. Collection method: not provided. Allele origin: not provided. Not counted in ClinVar's aggregate classification.

NM_000224.3(KRT18):c.689G>C (p.Ser230Thr)

Genes: KRT18 (keratin 18; plus strand), LOC106096416 (KRT18 locus control region; plus strand). Cytogenetic location: 12q13.13.
Variant type: single nucleotide variant.
Coding change: c.689G>C on transcript NM_000224.3 (MANE Select); coding-DNA position 689, G replaced by C.
Protein change: p.Ser230Thr; replaces serine 230 with threonine.
Molecular consequence: missense variant.
Genome position (GRCh38, 1-based): chr12:52,951,512, G>C. VCF-style: chr12-52951512-G-C. GRCh37 (hg19) VCF-style: chr12-53345296-G-C.
Other names: c.689G>C, p.Ser230Thr (NM_199187.2); short protein forms S230T.
Identifiers: ClinVar variation 66138 (VCV000066138.30), dbSNP rs58472472, ClinGen allele CA216533.
Genomic context (GRCh38, chr12:52,951,512, plus strand): 5'-CTCCTCACTTTTGCCCCTGTCACCTTTAGGAAGTAAAAGGCCTACAAGCCCAGATTGCCA[G>C]CTCTGGGTTGACCGTGGAGGTAGATGCCCCCAAATCTCAGGACCTCGCCAAGATCATGGC-3'
Protein context (NP_000215.1, residues 220-240): EVKGLQAQIA[Ser230Thr]SGLTVEVDAP